The following is an entry in ClinVar:

NM_016292.3(TRAP1):c.1007C>T (p.Pro336Leu)

Gene: TRAP1 (TNF receptor associated protein 1; minus strand). Cytogenetic location: 16p13.3.
Variant type: single nucleotide variant.
Coding change: c.1007C>T on transcript NM_016292.3 (MANE Select); coding-DNA position 1007, C replaced by T.
Protein change: p.Pro336Leu; replaces proline 336 with leucine.
Molecular consequence: missense variant.
Genome position (GRCh38, 1-based): chr16:3,674,376, G>A on the plus strand (C>T on the coding strand, the complement: TRAP1 is on the minus strand). VCF-style: chr16-3674376-G-A. GRCh37 (hg19) VCF-style: chr16-3724377-G-A.
Other names: c.848C>T, p.Pro283Leu (NM_001272049.2); short protein forms P283L, P336L.
Identifiers: ClinVar variation 2076883 (VCV002076883.4), dbSNP rs753972655, ClinGen allele CA7868356.

ClinVar aggregate classification (germline): Uncertain significance (1 of 4 stars; one submission).

Allele frequency attached by ClinVar (database versions not stated): TOPMed 0.00002; gnomAD 0.00003; ExAC 0.00002.
gnomAD v4.1: 35 of 1,613,984 alleles (0.0022%); highest among the groups gnomAD compares: Middle Eastern, 0.049%; no homozygotes.

Submission:

Labcorp Genetics (formerly Invitae), Labcorp
Classification: Uncertain significance. Last evaluated: 2022-08-23. Review status: criteria provided, single submitter. Criteria: Invitae Variant Classification Sherloc (09022015). Collection method: clinical testing. Allele origin: germline.
Comment: This sequence change replaces proline, which is neutral and non-polar, with leucine, which is neutral and non-polar, at codon 336 of the TRAP1 protein (p.Pro336Leu). This variant is present in population databases (rs753972655, gnomAD 0.01%). This variant has not been reported in the literature in individuals affected with TRAP1-related conditions. Algorithms developed to predict the effect of missense changes on protein structure and function are either unavailable or do not agree on the potential impact of this missense change (SIFT: "Deleterious"; PolyPhen-2: "Probably Damaging"; Align-GVGD: "Class C0"). In summary, the available evidence is currently insufficient to determine the role of this variant in disease. Therefore, it has been classified as a Variant of Uncertain Significance.